The following is an entry in ClinVar:

ClinVar aggregate classification (germline): Likely benign (0 of 4 stars; one submission).

Conditions:
ATP13A4-related disorder. Also called: ATP13A4-related condition.

Allele frequency attached by ClinVar (database versions not stated): gnomAD 0.00001; TOPMed 0.00001; ExAC 0.00002.
gnomAD v4.1: 26 of 1,613,814 alleles (0.0016%); highest among the groups gnomAD compares: Admixed American, 0.0067%; no homozygotes.

Submission:

PreventionGenetics, part of Exact Sciences
Classification: Likely benign for ATP13A4-related condition. Last evaluated: 2019-03-11. Review status: no assertion criteria provided. Collection method: clinical testing. Allele origin: germline.
Comment: This variant is classified as likely benign based on ACMG/AMP sequence variant interpretation guidelines (Richards et al. 2015 PMID: 25741868, with internal and published modifications).

NM_032279.4(ATP13A4):c.2247C>T (p.Thr749=)

Gene: ATP13A4 (ATPase 13A4; minus strand). Cytogenetic location: 3q29.
Variant type: single nucleotide variant.
Coding change: c.2247C>T on transcript NM_032279.4 (MANE Select); coding-DNA position 2247, C replaced by T.
Protein change: p.Thr749=; no amino-acid change (threonine 749 retained).
Molecular consequence: synonymous variant.
Genome position (GRCh38, 1-based): chr3:193,442,462, G>A on the plus strand (C>T on the coding strand, the complement: ATP13A4 is on the minus strand). VCF-style: chr3-193442462-G-A. GRCh37 (hg19) VCF-style: chr3-193160251-G-A.
Identifiers: ClinVar variation 3057822 (VCV003057822.2), dbSNP rs771030873, ClinGen allele CA2758139.